The following is an entry in ClinVar:

NM_000089.4(COL1A2):c.302C>T (p.Pro101Leu)

Gene: COL1A2 (collagen type I alpha 2 chain; plus strand). Cytogenetic location: 7q21.3.
Variant type: single nucleotide variant.
Coding change: c.302C>T on transcript NM_000089.4 (MANE Select); coding-DNA position 302, C replaced by T.
Protein change: p.Pro101Leu; replaces proline 101 with leucine.
Molecular consequence: missense variant.
Genome position (GRCh38, 1-based): chr7:94,404,578, C>T. VCF-style: chr7-94404578-C-T. GRCh37 (hg19) VCF-style: chr7-94033890-C-T.
Other names: short protein forms P101L.
Identifiers: ClinVar variation 2928826 (VCV002928826.3), dbSNP rs2484699625, ClinGen allele CA368219467.
Genomic context (GRCh38, chr7:94,404,578, plus strand): 5'-ATCAGTGCTAACTGTTGATATATCTGCTTTCTTTACAGGGCTTAATGGGACCTAGAGGCC[C>T]ACCTGGTGCAGCTGGAGCCCCAGTAAGTACTGAAAGCTTGTAATGCCTCTTATGTAAAAA-3'
Protein context (NP_000080.2, residues 91-111): GPMGLMGPRG[Pro101Leu]PGAAGAPGPQ

ClinVar aggregate classification (germline): Uncertain significance (1 of 4 stars; one submission).

Conditions:
Osteogenesis imperfecta type I (OI1). Also called: Lobstein disease; OI, TYPE I; OSTEOGENESIS IMPERFECTA TARDA; OSTEOGENESIS IMPERFECTA WITH BLUE SCLERAE; Osteogenesis imperfecta type 1; Lobstein's Disease. Identifiers: Orphanet 216796, Orphanet 666, MedGen C0023931, MONDO:0008146, OMIM 166200. Disease mechanism: loss of function.
Ehlers-Danlos syndrome, classic type, 1 (EDSCL1). Also called: EDS I; EHLERS-DANLOS SYNDROME, GRAVIS TYPE; EHLERS-DANLOS SYNDROME, SEVERE CLASSIC TYPE; Ehlers-Danlos syndrome, type 1; Ehlers-Danlos Syndrome, Classic Type, COL5A1-Related. Identifiers: MedGen C0268335, MONDO:0019567, OMIM 130000.

Submission:

Labcorp Genetics (formerly Invitae), Labcorp
Classification: Uncertain significance for Osteogenesis imperfecta type I; Ehlers-Danlos syndrome, classic type, 1. Last evaluated: 2023-02-03. Review status: criteria provided, single submitter. Criteria: Invitae Variant Classification Sherloc (09022015). Collection method: clinical testing. Allele origin: germline.
Comment: In summary, the available evidence is currently insufficient to determine the role of this variant in disease. Therefore, it has been classified as a Variant of Uncertain Significance. Advanced modeling of protein sequence and biophysical properties (such as structural, functional, and spatial information, amino acid conservation, physicochemical variation, residue mobility, and thermodynamic stability) performed at Invitae indicates that this missense variant is not expected to disrupt COL1A2 protein function. This variant has not been reported in the literature in individuals affected with COL1A2-related conditions. This variant is not present in population databases (gnomAD no frequency). This sequence change replaces proline, which is neutral and non-polar, with leucine, which is neutral and non-polar, at codon 101 of the COL1A2 protein (p.Pro101Leu).